The following is an entry in ClinVar:

ClinVar aggregate classification (germline): Uncertain significance (1 of 4 stars; one submission).

Conditions:
Microcephaly, normal intelligence and immunodeficiency (NBS). Also called: Nijmegen breakage syndrome; Microcephaly with normal intelligence immunodeficiency and lymphoreticular malignancies; Nonsyndromal microcephaly autosomal recessive with normal intelligence; Seemanova syndrome 2; Ataxia telangiectasia variant V1; SEEMANOVA SYNDROME II. Identifiers: Orphanet 647, MedGen C0398791, MONDO:0009623, OMIM 251260.

Submission:

Labcorp Genetics (formerly Invitae), Labcorp
Classification: Uncertain significance for Microcephaly, normal intelligence and immunodeficiency. Last evaluated: 2016-09-30. Review status: criteria provided, single submitter. Criteria: Invitae Variant Classification Sherloc (09022015). Collection method: clinical testing. Allele origin: germline.
Comment: In summary, this variant is a novel missense change with uncertain impact on protein function. It has been classified as a Variant of Uncertain Significance. Algorithms developed to predict the effect of missense changes on protein structure and function do not agree on the potential impact of this missense change (SIFT: "Deleterious"; PolyPhen-2: "Possibly Damaging"; Align-GVGD: "Class C0"). This variant is not present in population databases (ExAC no frequency) and has not been reported in the literature in individuals with a NBN-related disease. This sequence change replaces isoleucine with methionine at codon 97 of the NBN protein (p.Ile97Met). The isoleucine residue is weakly conserved and there is a small physicochemical difference between isoleucine and methionine. Algorithms developed to predict the effect of sequence changes on RNA splicing suggest that this variant may alter RNA splicing, but this prediction has not been confirmed by published transcriptional studies.

NM_002485.5(NBN):c.291T>G (p.Ile97Met)

Gene: NBN (nibrin; minus strand). Cytogenetic location: 8q21.3.
Variant type: single nucleotide variant.
Coding change: c.291T>G on transcript NM_002485.5 (MANE Select); coding-DNA position 291, T replaced by G.
Protein change: p.Ile97Met; replaces isoleucine 97 with methionine.
Molecular consequence: missense variant.
Genome position (GRCh38, 1-based): chr8:89,981,404, A>C on the plus strand (T>G on the coding strand, the complement: NBN is on the minus strand). VCF-style: chr8-89981404-A-C. GRCh37 (hg19) VCF-style: chr8-90993632-A-C.
Other names: c.45T>G, p.Ile15Met (NM_001024688.3); short protein forms I15M, I97M.
Identifiers: ClinVar variation 1042928 (VCV001042928.8), dbSNP rs1812056882, ClinGen allele CA371662378.